The following is an entry in ClinVar:

ClinVar aggregate classification (germline): Conflicting classifications of pathogenicity. Review status: criteria provided, conflicting classifications (1 of 4 stars). 3 submissions from 3 submitters: Uncertain significance (1); Benign (1); Likely benign (1). Last evaluated 2025-02-06.

Conditions:
Amyotrophic lateral sclerosis type 4 (ALS4). Also called: NEURONOPATHY, DISTAL HEREDITARY MOTOR, WITH PYRAMIDAL FEATURES; AMYOTROPHIC LATERAL SCLEROSIS 4, JUVENILE. Identifiers: Orphanet 357043, MedGen C1865409, MONDO:0011223, OMIM 602433.
Spinocerebellar ataxia, autosomal recessive, with axonal neuropathy 2 (SCAN2). Also called: Ataxia with Oculomotor Apraxia Type 2; Ataxia-ocular apraxia-2; ATAXIA-OCULOMOTOR APRAXIA 2; Ataxia with Oculomotor Apraxia. Identifiers: Orphanet 64753, MedGen C1853761, MONDO:0018996, OMIM 606002.
Inborn genetic diseases. Identifiers: MedGen C0950123, MeSH D030342.

Allele frequency attached by ClinVar (database versions not stated): ExAC 0.00003; gnomAD 0.00003; gnomAD exomes 0.00003; TOPMed 0.00005.
gnomAD v4.1: 47 of 1,613,864 alleles (0.0029%); highest among the groups gnomAD compares: Middle Eastern, 0.033%; no homozygotes.

Submissions (3):

Labcorp Genetics (formerly Invitae), Labcorp
Classification: Benign for Amyotrophic lateral sclerosis type 4; Spinocerebellar ataxia, autosomal recessive, with axonal neuropathy 2. Last evaluated: 2025-02-06. Review status: criteria provided, single submitter. Criteria: Invitae Variant Classification Sherloc (09022015). Collection method: clinical testing. Allele origin: germline.

CeGaT Center for Human Genetics Tuebingen
Classification: Uncertain significance. Last evaluated: 2023-06-01. Review status: criteria provided, single submitter. Criteria: CeGaT Center For Human Genetics Tuebingen Variant Classification Criteria Version 2. Collection method: clinical testing. Allele origin: germline. Affected: yes. Observed: 1 variant allele.
Comment: SETX: PM2, BP4

Ambry Genetics
Classification: Likely benign for Inborn genetic diseases. Last evaluated: 2020-09-14. Review status: criteria provided, single submitter. Criteria: Ambry Variant Classification Scheme 2023. Collection method: clinical testing. Allele origin: germline.

NM_015046.7(SETX):c.4088G>A (p.Arg1363Gln)

Gene: SETX (senataxin; minus strand). Cytogenetic location: 9q34.13.
Variant type: single nucleotide variant.
Coding change: c.4088G>A on transcript NM_015046.7 (MANE Select); coding-DNA position 4088, G replaced by A.
Protein change: p.Arg1363Gln; replaces arginine 1363 with glutamine.
Molecular consequence: missense variant.
Genome position (GRCh38, 1-based): chr9:132,327,510, C>T on the plus strand (G>A on the coding strand, the complement: SETX is on the minus strand). VCF-style: chr9-132327510-C-T. GRCh37 (hg19) VCF-style: chr9-135202897-C-T.
Other names: c.4088G>A, p.Arg1363Gln (NM_001351527.2, NM_001351528.2); short protein forms R1363Q.
Identifiers: ClinVar variation 1737676 (VCV001737676.30), dbSNP rs748262024, ClinGen allele CA5297274.